The following is an entry in ClinVar:

NM_000051.4(ATM):c.4626_4632del (p.Leu1542fs)

Gene: ATM (ATM serine/threonine kinase; plus strand). Cytogenetic location: 11q22.3.
Variant type: Deletion.
Coding change: c.4626_4632del on transcript NM_000051.4 (MANE Select); coding-DNA positions 4626 to 4632, 7 bases deleted (GAAATAC; older notation c.4626_4632delGAAATAC).
Protein change: p.Leu1542fs; shifts the reading frame from leucine 1542.
Molecular consequence: frameshift variant.
Genome position (GRCh38, 1-based): chr11:108,293,327-108,293,333, GAAATAC deleted. VCF-style (leftmost placement, unchanged base first): chr11-108293326-TGAAATAC-T. GRCh37 (hg19) VCF-style: chr11-108164053-TGAAATAC-T.
Other names: c.4626_4632del, p.Leu1542fs (NM_001351834.2); short protein forms L1542fs.
Identifiers: ClinVar variation 1453342 (VCV001453342.6), dbSNP rs2135810015, ClinGen allele CA2573146679.
Genomic context (GRCh38, chr11:108,293,326, plus strand): 5'-AAAATTATTTCTCTCCTTATAATTTTTTCTTTTTAAATTATATTTAGGTATTGGACTTGT[TGAAATAC>T]TTAGTGATAGATAACAAGGATAATGAAAACCTCTATATCACGATTAAGCTTTTAGATCCT-3'

ClinVar aggregate classification (germline): Pathogenic (1 of 4 stars; one submission).

Conditions:
Ataxia-telangiectasia syndrome (AT). Also called: Ataxia-telangiectasia, complementation group E; LOUIS-BAR SYNDROME; Ataxia-telangiectasia, complementation group D; AT, COMPLEMENTATION GROUP C; Ataxia-telangiectasia; Cerebello-oculocutaneous telangiectasia. Identifiers: Orphanet 100, MedGen C0004135, MONDO:0008840, OMIM 208900.

Submission:

Labcorp Genetics (formerly Invitae), Labcorp
Classification: Pathogenic for Ataxia-telangiectasia syndrome. Last evaluated: 2021-02-04. Review status: criteria provided, single submitter. Criteria: Invitae Variant Classification Sherloc (09022015). Collection method: clinical testing. Allele origin: germline.
Comment: For these reasons, this variant has been classified as Pathogenic. This variant has not been reported in the literature in individuals with ATM-related conditions. This variant is not present in population databases (ExAC no frequency). This sequence change creates a premature translational stop signal (p.Leu1542Phefs*2) in the ATM gene. It is expected to result in an absent or disrupted protein product. Loss-of-function variants in ATM are known to be pathogenic (PMID: 23807571, 25614872).

Literature cited by the submitters: PubMed 23807571; PubMed 25614872.